The following is an entry in ClinVar:

ClinVar aggregate classification (germline): Uncertain significance (1 of 4 stars; one submission).

Submission:

Labcorp Genetics (formerly Invitae), Labcorp
Classification: Uncertain significance. Last evaluated: 2022-10-01. Review status: criteria provided, single submitter. Criteria: Invitae Variant Classification Sherloc (09022015). Collection method: clinical testing. Allele origin: germline.
Comment: In summary, the available evidence is currently insufficient to determine the role of this variant in disease. Therefore, it has been classified as a Variant of Uncertain Significance. Experimental studies and prediction algorithms are not available or were not evaluated, and the functional significance of this variant is currently unknown. This variant has not been reported in the literature in individuals affected with FOXI3-related conditions. This variant is not present in population databases (gnomAD no frequency). This sequence change creates a premature translational stop signal (p.Ser395Lysfs*12) in the FOXI3 gene. While this is not anticipated to result in nonsense mediated decay, it is expected to disrupt the last 26 amino acid(s) of the FOXI3 protein.

NM_001135649.3(FOXI3):c.1183dup (p.Ser395fs)

Gene: FOXI3 (forkhead box I3; minus strand). Cytogenetic location: 2p11.2.
Variant type: Duplication.
Coding change: c.1183dup on transcript NM_001135649.3 (MANE Select); coding-DNA position 1183, one base duplicated (A; older notation c.1183dupA).
Protein change: p.Ser395fs; shifts the reading frame from serine 395.
Molecular consequence: frameshift variant.
Genome position (GRCh38, 1-based): chr2:88,448,287, T duplicated on the plus strand (A on the coding strand, the reverse complement: FOXI3 is on the minus strand); the first of 3 consecutive T bases (chr2:88,448,287-88,448,289); duplicating any one gives the same sequence. VCF-style (leftmost placement, unchanged base first): chr2-88448286-C-CT. GRCh37 (hg19) VCF-style: chr2-88747805-C-CT.
Other names: short protein forms S395fs.
Identifiers: ClinVar variation 1931979 (VCV001931979.5), dbSNP rs1573324764, ClinGen allele CA916588469.
Genomic context (GRCh38, chr2:88,448,286, plus strand): 5'-CGGGGGTAGATGAGGCTGTTCACCATGCTAAAGTTGTGGAAAGGGCTGCTGAAGGGGCTG[C>CT]TTTGCCCCCCGCTGGTGCTGGCAGGGAAAGGGCTGTAATAGGAAGATCTCTGGCCGGTGC-3'